The following is an entry in ClinVar:

NM_001291415.2(KDM6A):c.3870T>C (p.Ala1290=)

Gene: KDM6A (lysine demethylase 6A; plus strand). Cytogenetic location: Xp11.3.
Variant type: single nucleotide variant.
Coding change: c.3870T>C on transcript NM_001291415.2 (MANE Select); coding-DNA position 3870, T replaced by C.
Protein change: p.Ala1290=; no amino-acid change (alanine 1290 retained).
Molecular consequence: synonymous variant. On other transcripts: non-coding transcript variant (1).
Genome position (GRCh38, 1-based): chrX:45,089,908, T>C. VCF-style: chrX-45089908-T-C. GRCh37 (hg19) VCF-style: chrX-44949153-T-C.
Other names: c.3714T>C (NM_021140.2); c.3735T>C, p.Ala1245= (NM_001291416.2); c.3579T>C, p.Ala1193= (NM_001291417.2); c.3477T>C, p.Ala1159= (NM_001291418.2); c.2826T>C, p.Ala942= (NM_001291421.2); c.3714T>C, p.Ala1238= (NM_021140.4).
Identifiers: ClinVar variation 471949 (VCV000471949.24), dbSNP rs142238688, ClinGen allele CA10392727.
Genomic context (GRCh38, chrX:45,089,908, plus strand): 5'-CTGGATAAATGCAGGCACTGTTCATTGGGTTCAGGCTATTGGCTGGTGCAACAACATTGC[T>C]TGGAATGTTGGTCCACTTACAGGTATTATAAAGAATATGCTTTAAAAAAGTTAATTTATA-3'
Protein context (NP_001278344.1, residues 1280-1300): VQAIGWCNNI[Ala1290=]WNVGPLTACQ

ClinVar aggregate classification (germline): Benign/Likely benign. Review status: criteria provided, multiple submitters, no conflicts (2 of 4 stars). 6 submissions from 6 submitters: Benign (2); Likely benign (3). 1 of the submissions does not count toward it. Last evaluated 2026-01-26.

Conditions:
Kabuki syndrome 2 (KABUK2). Also called: KDM6A-Related Kabuki Syndrome. Identifiers: Orphanet 2322, MedGen C3275495, MONDO:0010465, OMIM 300867.
KDM6A-related disorder. Also called: KDM6A-related condition.

Allele frequency attached by ClinVar (database versions not stated): gnomAD exomes 0.00043 and 0.00121; ExAC 0.00150; gnomAD 0.00432 and 0.00458; TOPMed 0.00491; 1000 Genomes Project 0.00530; ESP Exome Variant Server 0.00540; 1000 Genomes Project 30x 0.00666.
gnomAD v4.1: 968 of 1,206,164 alleles (0.08%); highest among the groups gnomAD compares: African/African-American, 1.5%; 6 homozygotes.

Submissions (6):

Labcorp Genetics (formerly Invitae), Labcorp
Classification: Benign for Kabuki syndrome 2. Last evaluated: 2026-01-26. Review status: criteria provided, single submitter. Criteria: Invitae Variant Classification Sherloc (09022015). Collection method: clinical testing. Allele origin: germline.

Blueprint Genetics
Classification: Likely benign. Last evaluated: 2024-11-25. Review status: criteria provided, single submitter. Criteria: ACMG Guidelines, 2015. Collection method: clinical testing. Allele origin: germline.

GeneDx
Classification: Likely benign. Last evaluated: 2021-10-13. Review status: criteria provided, single submitter. Criteria: GeneDx Variant Classification Process June 2021. Collection method: clinical testing. Allele origin: germline. Affected: yes.

Genetic Services Laboratory, University of Chicago
Classification: Benign. Last evaluated: 2019-03-19. Review status: criteria provided, single submitter. Criteria: ACMG Guidelines, 2015. Collection method: clinical testing. Allele origin: germline. Affected: no.

Breakthrough Genomics
Classification: Likely benign. Review status: criteria provided, single submitter. Criteria: ACMG Guidelines, 2015. Collection method: not provided. Allele origin: germline. Inheritance: X-linked inheritance. Affected: yes.

PreventionGenetics, part of Exact Sciences
Classification: Benign for KDM6A-related condition. Last evaluated: 2019-09-16. Review status: no assertion criteria provided. Collection method: clinical testing. Allele origin: germline. Not counted in ClinVar's aggregate classification.
Comment: This variant is classified as benign based on ACMG/AMP sequence variant interpretation guidelines (Richards et al. 2015 PMID: 25741868, with internal and published modifications).